The following is an entry in ClinVar:

NM_177438.3(DICER1):c.169G>A (p.Asp57Asn)

Gene: DICER1 (dicer 1, ribonuclease III; minus strand). Cytogenetic location: 14q32.13.
Variant type: single nucleotide variant.
Coding change: c.169G>A on transcript NM_177438.3 (MANE Select); coding-DNA position 169, G replaced by A.
Protein change: p.Asp57Asn; replaces aspartic acid 57 with asparagine.
Molecular consequence: missense variant.
Genome position (GRCh38, 1-based): chr14:95,132,653, C>T on the plus strand (G>A on the coding strand, the complement: DICER1 is on the minus strand). VCF-style: chr14-95132653-C-T. GRCh37 (hg19) VCF-style: chr14-95598990-C-T.
Other names: c.169G>A (NM_177438.2); c.169G>A, p.Asp57Asn (NM_001195573.1, NM_001271282.3, NM_001291628.2 and 1 more transcripts); short protein forms D57N.
Identifiers: ClinVar variation 1479193 (VCV001479193.9), dbSNP rs570871959, ClinGen allele CA390890090.

ClinVar aggregate classification (germline): Uncertain significance. Review status: criteria provided, multiple submitters, no conflicts (2 of 4 stars). 2 submissions from 2 submitters: Uncertain significance (2). Last evaluated 2024-11-13.

Conditions:
Hereditary cancer-predisposing syndrome. Also called: Hereditary neoplastic syndrome; Tumor predisposition; Neoplastic Syndromes, Hereditary; Hereditary Cancer Syndrome. Identifiers: Orphanet 140162, MedGen C0027672, MeSH D009386, MONDO:0015356.
DICER1-related tumor predisposition. Also called: DICER1-related pleuropulmonary blastoma cancer predisposition syndrome; DICER1 syndrome. Identifiers: Orphanet 284343, MedGen C3839822, MONDO:0100216.

Submissions (2):

Labcorp Genetics (formerly Invitae), Labcorp
Classification: Uncertain significance for DICER1-related tumor predisposition. Last evaluated: 2024-11-13. Review status: criteria provided, single submitter. Criteria: Invitae Variant Classification Sherloc (09022015). Collection method: clinical testing. Allele origin: germline.
Comment: This sequence change replaces aspartic acid, which is acidic and polar, with asparagine, which is neutral and polar, at codon 57 of the DICER1 protein (p.Asp57Asn). This variant is not present in population databases (gnomAD no frequency). This variant has not been reported in the literature in individuals affected with DICER1-related conditions. ClinVar contains an entry for this variant (Variation ID: 1479193). Invitae Evidence Modeling of protein sequence and biophysical properties (such as structural, functional, and spatial information, amino acid conservation, physicochemical variation, residue mobility, and thermodynamic stability) indicates that this missense variant is not expected to disrupt DICER1 protein function with a negative predictive value of 95%. In summary, the available evidence is currently insufficient to determine the role of this variant in disease. Therefore, it has been classified as a Variant of Uncertain Significance.

Ambry Genetics
Classification: Uncertain significance for Hereditary cancer-predisposing syndrome. Last evaluated: 2024-01-30. Review status: criteria provided, single submitter. Criteria: Ambry Variant Classification Scheme 2023. Collection method: clinical testing. Allele origin: germline.
Comment: The p.D57N variant (also known as c.169G>A), located in coding exon 2 of the DICER1 gene, results from a G to A substitution at nucleotide position 169. The aspartic acid at codon 57 is replaced by asparagine, an amino acid with highly similar properties. This amino acid position is well conserved in available vertebrate species. In addition, this alteration is predicted to be tolerated by in silico analysis. Based on the available evidence, the clinical significance of this alteration remains unclear.